The following continues an entry in ClinVar:

NM_002524.5(NRAS):c.38G>A (p.Gly13Asp)

Gene: NRAS. ClinVar aggregate classification (germline): Pathogenic/Likely pathogenic. Pathogenic (6); Likely pathogenic (4). ClinVar aggregate classification (somatic clinical impact): Tier I - Strong. ClinVar aggregate classification (oncogenicity): Oncogenic.

Submissions 8 to 21 of 21:

3billion
Classification: Pathogenic for NRAS-related disorder. Last evaluated: 2024-07-31. Review status: criteria provided, single submitter. Criteria: ACMG Guidelines, 2015. Collection method: clinical testing. Allele origin: germline. Affected: yes.
Comment: The variant is observed at an extremely low frequency in the gnomAD v4.0.0 dataset (total allele frequency: <0.001%). Predicted Consequence/Location: Missense changes are a common disease-causing mechanism. In silico tool predictions suggest damaging effect of the variant on gene or gene product [REVEL: 0.70 (>=0.6, sensitivity 0.68 and specificity 0.92); 3Cnet: 0.99 (>=0.6, sensitivity 0.72 and precision 0.9)]. The same nucleotide change resulting in the same amino acid change has been previously reported as pathogenic/likely pathogenic with strong evidence (ClinVar ID: VCV000013901 /PMID: 19775298). Different missense changes at the same codon (p.Gly13Ala, p.Gly13Arg, p.Gly13Cys, p.Gly13Ser, p.Gly13Val) have been reported as pathogenic/likely pathogenic with strong evidence (ClinVar ID: VCV000013899, VCV000040471, VCV000375876, VCV000375877, VCV000376221 /PMID: 36699461 /3billion dataset). Therefore, this variant is classified as Pathogenic according to the recommendation of ACMG/AMP guideline.

New York Genome Center
Classification: Pathogenic for Noonan syndrome 6. Last evaluated: 2023-12-15. Review status: criteria provided, single submitter. Criteria: NYGC Assertion Criteria 2020. Collection method: clinical testing. Allele origin: germline, de novo. Affected: yes. Observed: 3 variant alleles, 3 heterozygotes. Clinical features observed: Hydrops fetalis (HP:0001789), Fetal ascites (HP:0001791), Fetal pleural effusion (HP:0025676), Fetal chylothorax (HP:0025677), Polyhydramnios (HP:0001561), Mild fetal ventriculomegaly (HP:0010952), Large placenta (HP:0006267), Increased nuchal translucency (HP:0010880), Fetal cystic hygroma (HP:0010878), Distended jugular lymphatic sacs (HP:0025701), Hypotelorism (HP:0000601), Flat face (HP:0012368), and 4 more.
Comment: The c.38G>A p.(Gly13Asp) variant in NRAS is an established pathogenic variant mostly found in tissue analysis of individuals with somatic cancers or tissue-limitedphenotypes, and it has been deposited in ClinVar [Variation ID: 13901] as Pathogenic/Likely Pathogenic by multiple independent laboratories. In population databases (gnomAD v4.0.0, TOPMed Freeze 8, All of Us), the c.38G>A variant is observed as heterozygous inthree individuals (allele frequency=1.44e-6), which might be due to emerging/existing hematologic malignancies in those individuals or due to clonal hematopoesis ofindeterminate potential. The c.38G>A variant in NRAS is located in exon 2 of this 7-exon gene, and is predicted to replace an evolutionarily well conserved glycineamino acid with aspartate at position 13 (p.Gly13Asp) in the encoded protein. In silico predictions [REVEL = 0.699] as well as in vitro functional studies support variant pathogenicity [PMID:17517660]. Confirmed germline variants affecting the adjacent oncogenic codon 12 of NRAS have been reported in multiple patients with RASopathy spectrum disorders [PMID:28594414, 31697451]. Based on available evidence the c.38G>A p.(Gly13Asp) variant identified in the NRAS gene is classified as Pathogenic.

Institute for Genomic Medicine (IGM) Clinical Laboratory, Nationwide Children's Hospital
Classification: Tier I - Strong for Embryonal rhabdomyosarcoma. Assertion type: diagnostic. Clinical significance: supports diagnosis. Last evaluated: 2023-10-09. Review status: criteria provided, single submitter. Criteria: AMP/ASCO/CAP Guidelines, 2017. Collection method: clinical testing. Allele origin: somatic. Affected: yes.
Comment: Variant has Tier I (strong) clinical significance as a diagnostic inclusion criterion in embryonal rhabdomyosarcoma, based on the following evidence: 1) Documented in one or more cancer databases (e.g., St. Jude Pecan, COSMIC, CIViC, OncoKB). 2) Appears in one or more well-established professional guidelines (e.g., World Health Organization [WHO]; National Comprehensive Cancer Network [NCCN]) as providing diagnostic, prognostic, or therapeutic information. 3) Information in the literature supports potential biologic effect of variant (PMIDs: 23487764, 31681616). 4) Diagnostic for a specific tumor type/classification based on well-powered studies with expert-level consensus (Evidence Level B; PMIDs: 24436047, 34166060, 2680062, 19681119, 24332040, 25768946).

Diagnostic Genetics, Severance Hospital, Yonsei University College of Medicine
Classification: Likely pathogenic for Autoimmune lymphoproliferative syndrome type 4. Last evaluated: 2023-01-03. Review status: criteria provided, single submitter. Criteria: ACMG Guidelines, 2015. Collection method: clinical testing. Allele origin: germline. Affected: yes.

Blueprint Genetics
Classification: Pathogenic for NRAS-related disorders. Last evaluated: 2022-08-04. Review status: criteria provided, single submitter. Criteria: ACMG Guidelines, 2015. Collection method: clinical testing. Allele origin: germline. Affected: yes. Observed: 4 variant alleles.

Genomic Diagnostic Laboratory, Division of Genomic Diagnostics, Children's Hospital of Philadelphia
Classification: Likely pathogenic for Acute megakaryoblastic leukemia in down syndrome. Last evaluated: 2020-09-01. Review status: criteria provided, single submitter. Criteria: AMP Guidelines, 2017. Collection method: clinical testing. Allele origin: somatic. Affected: yes. Observed: 1 variant allele.

GeneDx
Classification: Pathogenic. Last evaluated: 2015-03-30. Review status: criteria provided, single submitter. Criteria: GeneDx Variant Classification (06012015). Collection method: clinical testing. Allele origin: germline. Affected: yes.
Comment: The G13D variant has been reported as a de novo germline variant in association with autoimmune lymphoproliferative syndrome (ALPS) (Oliveira et al., 2007). In vitro functional studies demonstrated that the presence of the G13D variant resulted in BCL-2-interacting mediator of cell death down-regulation and defective intrinsic mitochondrial apoptosis prominently in lymphocytes, leading to features of ALPS and hematopoietic malignancies (Oliveira et al., 2007). The G13D variant has also been reported as a germline variant in association with dysmorphic features and Juvenile Myelomonocytic Leukemia (JMML) (De Filippi et al., 2009). The G13D variant was not observed in approximately 6,500 individuals of European and African American ancestry in the NHLBI Exome Sequencing Project, indicating it is not a common benign variant in these populations.

Greenwood Genetic Center Diagnostic Laboratories, Greenwood Genetic Center
Classification: Pathogenic. Last evaluated: 2015-01-15. Review status: no assertion criteria provided. Collection method: clinical testing. Allele origin: germline. Not counted in ClinVar's aggregate classification.

OMIM
Classification: Pathogenic for JUVENILE MYELOMONOCYTIC LEUKEMIA, SOMATIC. Last evaluated: 2011-03-10. Review status: no assertion criteria provided. Collection method: literature only. Allele origin: somatic. Not counted in ClinVar's aggregate classification.

OMIM
Classification: Pathogenic for NOONAN SYNDROME 6. Last evaluated: 2011-03-10. Review status: no assertion criteria provided. Collection method: literature only. Allele origin: unknown. Not counted in ClinVar's aggregate classification.

OMIM
Classification: Pathogenic for RAS-ASSOCIATED AUTOIMMUNE LEUKOPROLIFERATIVE DISORDER 1, SOMATIC. Last evaluated: 2011-03-10. Review status: no assertion criteria provided. Collection method: literature only. Allele origin: somatic. Not counted in ClinVar's aggregate classification.

Dr. Peter K. Rogan Lab, Western University
No classification provided (evidence only). Condition: Melanoma. Review status: no classification provided. Collection method: in vitro. Allele origin: not applicable. Functional consequence: retained intron. Not counted in ClinVar's aggregate classification.

Dr. Peter K. Rogan Lab, Western University
No classification provided (evidence only). Condition: Acute myeloid leukemia. Review status: no classification provided. Collection method: in vitro. Allele origin: not applicable. Functional consequence: skipped exon. Not counted in ClinVar's aggregate classification.

Dr. Peter K. Rogan Lab, Western University
No classification provided (evidence only). Condition: Colorectal cancer. Review status: no classification provided. Collection method: in vitro. Allele origin: not applicable. Functional consequence: retained intron. Not counted in ClinVar's aggregate classification.

Literature cited by the submitters: PubMed 23487764 (cited by Institute for Genomic Medicine (IGM) Clinical Laboratory, Nationwide Children's Hospital); PubMed 31681616 (cited by Institute for Genomic Medicine (IGM) Clinical Laboratory, Nationwide Children's Hospital); PubMed 24705254 (cited by Institute for Genomic Medicine (IGM) Clinical Laboratory, Nationwide Children's Hospital); PubMed 28966033 (cited by Institute for Genomic Medicine (IGM) Clinical Laboratory, Nationwide Children's Hospital); PubMed 34525976 (cited by Institute for Genomic Medicine (IGM) Clinical Laboratory, Nationwide Children's Hospital); PubMed 39273062 (cited by Institute for Genomic Medicine (IGM) Clinical Laboratory, Nationwide Children's Hospital); PubMed 26037647 (cited by Institute for Genomic Medicine (IGM) Clinical Laboratory, Nationwide Children's Hospital); PubMed 27276561 (cited by Institute for Genomic Medicine (IGM) Clinical Laboratory, Nationwide Children's Hospital); PubMed 27288520 (cited by Institute for Genomic Medicine (IGM) Clinical Laboratory, Nationwide Children's Hospital); PubMed 23634996 (cited by Institute for Genomic Medicine (IGM) Clinical Laboratory, Nationwide Children's Hospital); PubMed 28152414 (cited by Institute for Genomic Medicine (IGM) Clinical Laboratory, Nationwide Children's Hospital); PubMed 38212634 (cited by Institute for Genomic Medicine (IGM) Clinical Laboratory, Nationwide Children's Hospital); PubMed 17517660 (cited by 6 submitters); PubMed 19775298 (cited by 5 submitters); PubMed 24803665 (cited by Rady Children's Institute for Genomic Medicine, Rady Children's Hospital San Diego); PubMed 31412876 (cited by 3 submitters); PubMed 2989702 (cited by Rady Children's Institute for Genomic Medicine, Rady Children's Hospital San Diego and OMIM); PubMed 17332249 (cited by 3 submitters); PubMed 37872685 (cited by Rady Children's Institute for Genomic Medicine, Rady Children's Hospital San Diego); PubMed 18375819 (cited by Victorian Clinical Genetics Services, Murdoch Childrens Research Institute); PubMed 36130886 (cited by Victorian Clinical Genetics Services, Murdoch Childrens Research Institute); PubMed 36699461 (cited by 3billion); PubMed 24436047 (cited by Institute for Genomic Medicine (IGM) Clinical Laboratory, Nationwide Children's Hospital); PubMed 34166060 (cited by Institute for Genomic Medicine (IGM) Clinical Laboratory, Nationwide Children's Hospital); PubMed 2680062 (cited by Institute for Genomic Medicine (IGM) Clinical Laboratory, Nationwide Children's Hospital); PubMed 19681119 (cited by Institute for Genomic Medicine (IGM) Clinical Laboratory, Nationwide Children's Hospital); PubMed 24332040 (cited by Institute for Genomic Medicine (IGM) Clinical Laboratory, Nationwide Children's Hospital); PubMed 25768946 (cited by Institute for Genomic Medicine (IGM) Clinical Laboratory, Nationwide Children's Hospital); PubMed 2407301 (cited by OMIM); PubMed 21079152 (cited by OMIM); PubMed 25896945 (cited by OMIM); PubMed 25691160 (cited by OMIM).